The following is an entry in ClinVar:

ClinVar aggregate classification (germline): Uncertain significance (1 of 4 stars; one submission).

Conditions:
Familial hypobetalipoproteinemia 1. Also called: APOB-Related Familial Hypobetalipoproteinemia; Hypobetalipoproteinemia, normotriglyceridemic; Acanthocytosis with hypobetalipoproteinemia. Identifiers: MedGen C4551990, MONDO:0014252, OMIM 615558.
Hypercholesterolemia, autosomal dominant, type B (FHCL2). Also called: APOB-Related Familial Hypercholesterolemia, Autosomal Dominant; Familial hypercholesterolemia 2; Familial Hypercholesterolemia Type B; APOLIPOPROTEIN B-100, FAMILIAL DEFECTIVE; APOLIPOPROTEIN B-100, FAMILIAL LIGAND-DEFECTIVE; HYPERCHOLESTEROLEMIA, FAMILIAL, DUE TO LIGAND-DEFECTIVE APOLIPOPROTEIN B. Identifiers: MedGen C1704417, MONDO:0007751, OMIM 144010.

gnomAD v4.1: 8 of 1,613,882 alleles (0.0005%); highest among the groups gnomAD compares: Non-Finnish European, 0.00068%; no homozygotes.

Submission:

Labcorp Genetics (formerly Invitae), Labcorp
Classification: Uncertain significance for Familial hypobetalipoproteinemia 1; Hypercholesterolemia, autosomal dominant, type B. Last evaluated: 2026-01-26. Review status: criteria provided, single submitter. Criteria: Invitae Variant Classification Sherloc (09022015). Collection method: clinical testing. Allele origin: germline.
Comment: This sequence change replaces glutamic acid, which is acidic and polar, with lysine, which is basic and polar, at codon 2093 of the APOB protein (p.Glu2093Lys). This variant is not present in population databases (gnomAD no frequency). This variant has not been reported in the literature in individuals affected with APOB-related conditions. Invitae Evidence Modeling of protein sequence and biophysical properties (such as structural, functional, and spatial information, amino acid conservation, physicochemical variation, residue mobility, and thermodynamic stability) indicates that this missense variant is not expected to disrupt APOB protein function with a negative predictive value of 95%. In summary, the available evidence is currently insufficient to determine the role of this variant in disease. Therefore, it has been classified as a Variant of Uncertain Significance.

NM_000384.3(APOB):c.6277G>A (p.Glu2093Lys)

Gene: APOB (apolipoprotein B; minus strand). Cytogenetic location: 2p24.1.
Variant type: single nucleotide variant.
Coding change: c.6277G>A on transcript NM_000384.3 (MANE Select); coding-DNA position 6277, G replaced by A.
Protein change: p.Glu2093Lys; replaces glutamic acid 2093 with lysine.
Molecular consequence: missense variant.
Genome position (GRCh38, 1-based): chr2:21,010,591, C>T on the plus strand (G>A on the coding strand, the complement: APOB is on the minus strand). VCF-style: chr2-21010591-C-T. GRCh37 (hg19) VCF-style: chr2-21233463-C-T.
Other names: short protein forms E2093K.
Identifiers: ClinVar variation 4788529 (VCV004788529.1).
Genomic context (GRCh38, chr2:21,010,591, plus strand): 5'-CTCTGTATTTTCTTACAAATTGATCAATATTGATGTGCTTCAGGTTTCTCTGTACGTTTT[C>T]CAGTACAACTATAATGGTTTGTCGATTCCTCTCAAAATATTCTTGCAAGGTCTCAAAAAA-3'
Protein context (NP_000375.3, residues 2083-2103): RNRQTIIVVL[Glu2093Lys]NVQRNLKHIN